The following is an entry in ClinVar:

NM_001297.5(CNGB1):c.705C>T (p.Pro235=)

Gene: CNGB1 (cyclic nucleotide gated channel subunit beta 1; minus strand). Cytogenetic location: 16q21.
Variant type: single nucleotide variant.
Coding change: c.705C>T on transcript NM_001297.5 (MANE Select); coding-DNA position 705, C replaced by T.
Protein change: p.Pro235=; no amino-acid change (proline 235 retained).
Molecular consequence: synonymous variant.
Genome position (GRCh38, 1-based): chr16:57,959,944, G>A on the plus strand (C>T on the coding strand, the complement: CNGB1 is on the minus strand). VCF-style: chr16-57959944-G-A. GRCh37 (hg19) VCF-style: chr16-57993848-G-A.
Other names: c.705C>T, p.Pro235= (NM_001135639.2); c.687C>T, p.Pro229= (NM_001286130.2); c.705C>T (NM_001297.4).
Identifiers: ClinVar variation 594792 (VCV000594792.9), dbSNP rs748140894, ClinGen allele CA8083717.
Genomic context (GRCh38, chr16:57,959,944, plus strand): 5'-TCACCTGGCAGGGTCCCTGGTTGGTGGCAGGGAGGAGGTCTGGGCCTGGGAGCCGGGCTG[G>A]GGCTCTGGAGCTGGTGCCTCCTTGGGTTCCTCCTTGGGCTGCAGGGGGATGGGTGTGGGC-3'
Protein context (NP_001288.3, residues 225-245): EEPKEAPAPE[Pro235=]QPGSQAQTSS

ClinVar aggregate classification (germline): Conflicting classifications of pathogenicity. Review status: criteria provided, conflicting classifications (1 of 4 stars). 3 submissions from 3 submitters: Uncertain significance (1); Likely benign (2). Last evaluated 2025-02-14.

Conditions:
CNGB1-related disorder. Also called: CNGB1-related condition.

Allele frequency attached by ClinVar (database versions not stated): gnomAD exomes 0.00001 and 0.00002; ExAC 0.00002; TOPMed 0.00002.
gnomAD v4.1: 34 of 1,587,238 alleles (0.0021%); highest among the groups gnomAD compares: Non-Finnish European, 0.0029%; no homozygotes.

Submissions (3):

PreventionGenetics, part of Exact Sciences
Classification: Likely benign for CNGB1-related condition. Last evaluated: 2025-02-14. Review status: criteria provided, single submitter. Criteria: ACMG Guidelines, 2015. Collection method: clinical testing. Allele origin: germline.
Comment: This variant is classified as likely benign based on ACMG/AMP sequence variant interpretation guidelines (Richards et al. 2015 PMID: 25741868, with internal and published modifications).

Labcorp Genetics (formerly Invitae), Labcorp
Classification: Likely benign. Last evaluated: 2023-06-27. Review status: criteria provided, single submitter. Criteria: Invitae Variant Classification Sherloc (09022015). Collection method: clinical testing. Allele origin: germline.

Eurofins Ntd Llc (ga)
Classification: Uncertain significance. Last evaluated: 2017-11-16. Review status: criteria provided, single submitter. Criteria: EGL Classification Definitions 2015. Collection method: clinical testing. Allele origin: germline. Observed: 1 variant allele, 1 heterozygote.